The following is an entry in ClinVar:

NM_004655.4(AXIN2):c.1814C>T (p.Ala605Val)

Gene: AXIN2 (axin 2; minus strand). Cytogenetic location: 17q24.1.
Variant type: single nucleotide variant.
Coding change: c.1814C>T on transcript NM_004655.4 (MANE Select); coding-DNA position 1814, C replaced by T.
Protein change: p.Ala605Val; replaces alanine 605 with valine.
Molecular consequence: missense variant. On other transcripts: intron variant (1).
Genome position (GRCh38, 1-based): chr17:65,536,962, G>A on the plus strand (C>T on the coding strand, the complement: AXIN2 is on the minus strand). VCF-style: chr17-65536962-G-A. GRCh37 (hg19) VCF-style: chr17-63533080-G-A.
Other names: c.1712+362C>T (NM_001363813.1); short protein forms A605V.
Identifiers: ClinVar variation 5032533 (VCV005032533.1).

ClinVar aggregate classification (germline): Uncertain significance (1 of 4 stars; one submission).

Conditions:
Hereditary cancer-predisposing syndrome. Also called: Neoplastic Syndromes, Hereditary; Tumor predisposition; Hereditary neoplastic syndrome; Hereditary Cancer Syndrome. Identifiers: Orphanet 140162, MedGen C0027672, MeSH D009386, MONDO:0015356.

Submission:

Ambry Genetics
Classification: Uncertain significance for Hereditary cancer-predisposing syndrome. Last evaluated: 2026-07-04. Review status: criteria provided, single submitter. Criteria: Ambry Variant Classification Scheme 2023. Collection method: clinical testing. Allele origin: germline.
Comment: The p.A605V variant (also known as c.1814C>T), located in coding exon 6 of the AXIN2 gene, results from a C to T substitution at nucleotide position 1814. The alanine at codon 605 is replaced by valine, an amino acid with similar properties. This amino acid position is conserved. In addition, this alteration is predicted to be tolerated by in silico analysis. Based on the available evidence, the clinical significance of this variant remains unclear.